The following is an entry in ClinVar:

ClinVar aggregate classification (germline): Conflicting classifications of pathogenicity. Review status: criteria provided, conflicting classifications (1 of 4 stars). 2 submissions from 2 submitters: Uncertain significance (1); Likely benign (1). Last evaluated 2025-01-06.

Conditions:
Cardiovascular phenotype. Identifiers: MedGen CN230736.
Noonan syndrome 9 (NS9). Identifiers: Orphanet 648, MedGen C4225282, MONDO:0014691, OMIM 616559.

gnomAD v4.1: 3 of 1,612,530 alleles (0.00019%); highest among the groups gnomAD compares: Admixed American, 0.0017%; no homozygotes.

Submissions (2):

Ambry Genetics
Classification: Uncertain significance for Cardiovascular phenotype. Last evaluated: 2025-01-06. Review status: criteria provided, single submitter. Criteria: Ambry Variant Classification Scheme 2023. Collection method: clinical testing. Allele origin: germline.
Comment: The p.I661T variant (also known as c.1982T>C), located in coding exon 12 of the SOS2 gene, results from a T to C substitution at nucleotide position 1982. The isoleucine at codon 661 is replaced by threonine, an amino acid with similar properties. This amino acid position is conserved. In addition, this alteration is predicted to be tolerated by in silico analysis. Based on the available evidence, the clinical significance of this variant remains unclear.

Labcorp Genetics (formerly Invitae), Labcorp
Classification: Likely benign for Noonan syndrome 9. Last evaluated: 2024-05-21. Review status: criteria provided, single submitter. Criteria: Invitae Variant Classification Sherloc (09022015). Collection method: clinical testing. Allele origin: germline.

NM_006939.4(SOS2):c.1982T>C (p.Ile661Thr)

Gene: SOS2 (SOS Ras/Rho guanine nucleotide exchange factor 2; minus strand). Cytogenetic location: 14q21.3.
Variant type: single nucleotide variant.
Coding change: c.1982T>C on transcript NM_006939.4 (MANE Select); coding-DNA position 1982, T replaced by C.
Protein change: p.Ile661Thr; replaces isoleucine 661 with threonine.
Molecular consequence: missense variant.
Genome position (GRCh38, 1-based): chr14:50,157,074, A>G on the plus strand (T>C on the coding strand, the complement: SOS2 is on the minus strand). VCF-style: chr14-50157074-A-G. GRCh37 (hg19) VCF-style: chr14-50623792-A-G.
Other names: c.1883T>C, p.Ile628Thr (NM_001411020.1); c.1982T>C (NM_006939.2); short protein forms I628T, I661T.
Identifiers: ClinVar variation 3704128 (VCV003704128.3).